The following is an entry in ClinVar:

NM_001854.4(COL11A1):c.4961A>C (p.Lys1654Thr)

Gene: COL11A1 (collagen type XI alpha 1 chain; minus strand). Cytogenetic location: 1p21.1.
Variant type: single nucleotide variant.
Coding change: c.4961A>C on transcript NM_001854.4 (MANE Select); coding-DNA position 4961, A replaced by C.
Protein change: p.Lys1654Thr; replaces lysine 1654 with threonine.
Molecular consequence: missense variant. On other transcripts: non-coding transcript variant (1).
Genome position (GRCh38, 1-based): chr1:102,883,209, T>G on the plus strand (A>C on the coding strand, the complement: COL11A1 is on the minus strand). VCF-style: chr1-102883209-T-G. GRCh37 (hg19) VCF-style: chr1-103348765-T-G.
Other names: c.4844A>C, p.Lys1615Thr (NM_001190709.2); c.4997A>C, p.Lys1666Thr (NM_080629.3); c.4613A>C, p.Lys1538Thr (NM_080630.4); short protein forms K1538T, K1615T, K1654T, K1666T.
Identifiers: ClinVar variation 1328853 (VCV001328853.2), dbSNP rs2101025808, ClinGen allele CA341211451.

ClinVar aggregate classification (germline): Uncertain significance (1 of 4 stars; one submission).

Allele frequency attached by ClinVar (database versions not stated): gnomAD exomes below 0.00001.
gnomAD v4.1: 2 of 1,610,366 alleles (0.00012%); highest among the groups gnomAD compares: Non-Finnish European, 0.00017%; no homozygotes.

Submission:

GeneDx
Classification: Uncertain significance. Last evaluated: 2021-06-18. Review status: criteria provided, single submitter. Criteria: GeneDx Variant Classification Process June 2021. Collection method: clinical testing. Allele origin: germline. Affected: yes.
Comment: Has not been previously published as pathogenic or benign to our knowledge; Not observed at significant frequency in large population cohorts (Lek et al., 2016); In silico analysis supports that this missense variant has a deleterious effect on protein structure/function; This variant is associated with the following publications: (PMID: 27535533)